The following is an entry in ClinVar:

ClinVar aggregate classification (germline): Likely pathogenic. Review status: criteria provided, multiple submitters, no conflicts (2 of 4 stars). 2 submissions from 2 submitters: Likely pathogenic (2). Last evaluated 2026-07-01.

Conditions:
Glycogen storage disease, type II (IOPD). Also called: Pompe Disease; CARDIOMEGALIA GLYCOGENICA DIFFUSA; GLYCOGENOSIS, GENERALIZED, CARDIAC FORM; GSD II; POMPE DISEASE, INFANTILE-ONSET; GLYCOGEN STORAGE DISEASE II, INFANTILE-ONSET. Identifiers: Orphanet 365, MedGen C0017921, MONDO:0009290, OMIM 232300.

Submissions (2):

Genomenon, Inc
Classification: Likely pathogenic for Glycogen storage disease, type II. Last evaluated: 2026-07-01. Review status: criteria provided, single submitter. Criteria: Genomenon Sequence Variant Interpretation Standards - Updated. Collection method: curation. Allele origin: germline. Affected: yes.
Comment: GAA p.Asp419Val (c.1256A>T) is a missense variant that changes the amino acid at codon 419 from Aspartic acid to Valine. This variant has been observed in at least one proband with a GAA-related disorder in the compound heterozygous and/or homozygous state (PMID:25243733). At least one functional study has demonstrated a substantial alteration in protein function relative to the wild-type (PMID:22644586). At least one splicing study has demonstrated that this variant results in aberrant splicing (PMID:27623443;25243733). It is absent or not present at a significant frequency in gnomAD. In conclusion, we classify GAA p.Asp419Val (c.1256A>T) as a likely pathogenic variant.

Natera, Inc.
Classification: Likely pathogenic for Glycogen storage disease type II. Last evaluated: 2025-08-15. Review status: criteria provided, single submitter. Criteria: Natera Variant Classification Schema (03/2026). Collection method: clinical testing. Allele origin: germline.
Comment: The c.1256A>T variant in GAA is a missense variant predicted to cause substitution of aspartic acid to valine at amino acid 419. This variant is rare in the general population with a frequency below the threshold expected for the associated phenotype(s). This variant has been observed in one or more individuals affected with the associated recessive disease, as either homozygous or compound heterozygous with a second variant (PMID: 25243733). Functional studies show that this variant may disrupt protein function (PMID: 25243733). Multiple computational prediction algorithms suggest this variant is unlikely to affect gene or protein function. Given the available evidence, this variant is classified as Likely Pathogenic.

Literature cited by the submitters: PubMed 25243733 (cited by Genomenon, Inc and Natera, Inc.); PubMed 22644586 (cited by Genomenon, Inc); PubMed 27623443 (cited by Genomenon, Inc).

NM_000152.5(GAA):c.1256A>T (p.Asp419Val)

Gene: GAA (alpha glucosidase; plus strand). Cytogenetic location: 17q25.3.
Variant type: single nucleotide variant.
Coding change: c.1256A>T on transcript NM_000152.5 (MANE Select); coding-DNA position 1256, A replaced by T.
Protein change: p.Asp419Val; replaces aspartic acid 419 with valine.
Molecular consequence: missense variant.
Genome position (GRCh38, 1-based): chr17:80,108,758, A>T. VCF-style: chr17-80108758-A-T. GRCh37 (hg19) VCF-style: chr17-78082557-A-T.
Other names: c.1256A>T, p.Asp419Val (NM_001079803.3, NM_001079804.3, NM_001406741.1 and 1 more transcripts); short protein forms D419V.
Identifiers: ClinVar variation 4817580 (VCV004817580.2).